The following is an entry in ClinVar:

NM_003060.4(SLC22A5):c.964A>G (p.Ser322Gly)

Gene: SLC22A5 (solute carrier family 22 member 5; plus strand). Cytogenetic location: 5q31.1.
Variant type: single nucleotide variant.
Coding change: c.964A>G on transcript NM_003060.4 (MANE Select); coding-DNA position 964, A replaced by G.
Protein change: p.Ser322Gly; replaces serine 322 with glycine.
Molecular consequence: missense variant.
Genome position (GRCh38, 1-based): chr5:132,388,933, A>G. VCF-style: chr5-132388933-A-G. GRCh37 (hg19) VCF-style: chr5-131724625-A-G.
Other names: c.1036A>G, p.Ser346Gly (NM_001308122.2); short protein forms S346G, S322G.
Identifiers: ClinVar variation 942840 (VCV000942840.11), dbSNP rs1561574065, ClinGen allele CA360806037.

ClinVar aggregate classification (germline): Uncertain significance. Review status: criteria provided, single submitter (1 of 4 stars). 2 submissions from 2 submitters: Uncertain significance (1). 1 of the submissions does not count toward it. Last evaluated 2021-09-01.

Conditions:
Decreased circulating carnitine concentration. Also called: Decreased plasma carnitine. Identifiers: MedGen C5848230, HP:0003234.
Renal carnitine transport defect (CDSP). Also called: Systemic primary carnitine deficiency; Carnitine transporter deficiency; Carnitine Deficiency, Systemic; Primary carnitine deficiency; CARNITINE DEFICIENCY, SYSTEMIC, DUE TO DEFECT IN RENAL REABSORPTION OF CARNITINE; CARNITINE TRANSPORTER, PLASMA-MEMBRANE, DEFICIENCY OF. Identifiers: Orphanet 158, MedGen C0342788, MONDO:0008919, OMIM 212140.

Submissions (2):

Labcorp Genetics (formerly Invitae), Labcorp
Classification: Uncertain significance for Renal carnitine transport defect. Last evaluated: 2021-09-01. Review status: criteria provided, single submitter. Criteria: Invitae Variant Classification Sherloc (09022015). Collection method: clinical testing. Allele origin: germline.
Comment: This sequence change replaces serine with glycine at codon 322 of the SLC22A5 protein (p.Ser322Gly). The serine residue is moderately conserved and there is a small physicochemical difference between serine and glycine. This variant is not present in population databases (ExAC no frequency). This variant has not been reported in the literature in individuals affected with SLC22A5-related conditions. Algorithms developed to predict the effect of missense changes on protein structure and function (SIFT, PolyPhen-2, Align-GVGD) all suggest that this variant is likely to be tolerated. In summary, the available evidence is currently insufficient to determine the role of this variant in disease. Therefore, it has been classified as a Variant of Uncertain Significance.

Natera, Inc.
Classification: Uncertain significance for Carnitine deficiency. Last evaluated: 2021-02-22. Review status: no assertion criteria provided. Collection method: clinical testing. Allele origin: germline. Not counted in ClinVar's aggregate classification.